The following is an entry in ClinVar:

NM_007227.3(GPR45):c.715C>T (p.Arg239Trp)

Gene: GPR45 (G protein-coupled receptor 45; plus strand). Cytogenetic location: 2q12.1.
Variant type: single nucleotide variant.
Coding change: c.715C>T on transcript NM_007227.3 (MANE Select); coding-DNA position 715, C replaced by T.
Protein change: p.Arg239Trp; replaces arginine 239 with tryptophan.
Molecular consequence: missense variant.
Genome position (GRCh38, 1-based): chr2:105,242,573, C>T. VCF-style: chr2-105242573-C-T. GRCh37 (hg19) VCF-style: chr2-105859030-C-T.
Other names: short protein forms R239W.
Identifiers: ClinVar variation 3675489 (VCV003675489.2).

ClinVar aggregate classification (germline): Uncertain significance (1 of 4 stars; one submission).

Submission:

Labcorp Genetics (formerly Invitae), Labcorp
Classification: Uncertain significance. Last evaluated: 2024-04-09. Review status: criteria provided, single submitter. Criteria: Invitae Variant Classification Sherloc (09022015). Collection method: clinical testing. Allele origin: germline.
Comment: This sequence change replaces arginine, which is basic and polar, with tryptophan, which is neutral and slightly polar, at codon 239 of the GPR45 protein (p.Arg239Trp). This variant is not present in population databases (gnomAD no frequency). This variant has not been reported in the literature in individuals affected with GPR45-related conditions. An algorithm developed to predict the effect of missense changes on protein structure and function (PolyPhen-2) suggests that this variant is likely to be disruptive. In summary, the available evidence is currently insufficient to determine the role of this variant in disease. Therefore, it has been classified as a Variant of Uncertain Significance.